The following is an entry in ClinVar:

NM_001378609.3(OTOGL):c.4661T>C (p.Leu1554Ser)

Gene: OTOGL (otogelin like; plus strand). Cytogenetic location: 12q21.31.
Variant type: single nucleotide variant.
Coding change: c.4661T>C on transcript NM_001378609.3 (MANE Select); coding-DNA position 4661, T replaced by C.
Protein change: p.Leu1554Ser; replaces leucine 1554 with serine.
Molecular consequence: missense variant.
Genome position (GRCh38, 1-based): chr12:80,336,473, T>C. VCF-style: chr12-80336473-T-C. GRCh37 (hg19) VCF-style: chr12-80730253-T-C.
Other names: c.4526T>C, p.Leu1509Ser (NM_001368062.3); c.4661T>C, p.Leu1554Ser (NM_001378610.3, NM_173591.7); short protein forms L1554S, L1509S.
Identifiers: ClinVar variation 1385075 (VCV001385075.6), dbSNP rs1888412814, ClinGen allele CA385880817.
Genomic context (GRCh38, chr12:80,336,473, plus strand): 5'-GTCGGTGTTCCATGTTGTCAGAACTGAGCATTATTACATTTGATGGAAACAACGCAGCAT[T>C]ATATAGCATGGCTTCTTATATCTTAGTAAGAATTCCTGGTGAAATTATAGTTGCTCATAT-3'
Protein context (NP_001365538.2, residues 1544-1564): IITFDGNNAA[Leu1554Ser]YSMASYILVR

ClinVar aggregate classification (germline): Uncertain significance (1 of 4 stars; one submission).

Allele frequency attached by ClinVar (database versions not stated): TOPMed 0.00001.

Submission:

Labcorp Genetics (formerly Invitae), Labcorp
Classification: Uncertain significance. Last evaluated: 2024-10-25. Review status: criteria provided, single submitter. Criteria: Invitae Variant Classification Sherloc (09022015). Collection method: clinical testing. Allele origin: germline.
Comment: This sequence change replaces leucine, which is neutral and non-polar, with serine, which is neutral and polar, at codon 1545 of the OTOGL protein (p.Leu1545Ser). This variant is not present in population databases (gnomAD no frequency). This variant has not been reported in the literature in individuals affected with OTOGL-related conditions. ClinVar contains an entry for this variant (Variation ID: 1385075). An algorithm developed to predict the effect of missense changes on protein structure and function (PolyPhen-2) suggests that this variant is likely to be disruptive. In summary, the available evidence is currently insufficient to determine the role of this variant in disease. Therefore, it has been classified as a Variant of Uncertain Significance.